The following is an entry in ClinVar:

ClinVar aggregate classification (germline): Uncertain significance. Review status: criteria provided, multiple submitters, no conflicts (2 of 4 stars). 2 submissions from 2 submitters: Uncertain significance (2). Last evaluated 2024-06-28.

Conditions:
Hereditary cancer-predisposing syndrome. Also called: Tumor predisposition; Hereditary Cancer Syndrome; Hereditary neoplastic syndrome; Neoplastic Syndromes, Hereditary. Identifiers: Orphanet 140162, MedGen C0027672, MeSH D009386, MONDO:0015356.

Submissions (2):

Ambry Genetics
Classification: Uncertain significance for Hereditary cancer-predisposing syndrome. Last evaluated: 2024-06-28. Review status: criteria provided, single submitter. Criteria: Ambry Variant Classification Scheme 2023. Collection method: clinical testing. Allele origin: germline.
Comment: The p.R181G variant (also known as c.541C>G), located in coding exon 3 of the CHEK2 gene, results from a C to G substitution at nucleotide position 541. The arginine at codon 181 is replaced by glycine, an amino acid with dissimilar properties. This amino acid position is poorly conserved in available vertebrate species. In addition, this alteration is predicted to be tolerated by in silico analysis. Based on the available evidence, the clinical significance of this variant remains unclear.

GeneDx
Classification: Uncertain significance. Last evaluated: 2020-09-15. Review status: criteria provided, single submitter. Criteria: GeneDx Variant Classification Process June 2021. Collection method: clinical testing. Allele origin: germline. Affected: yes.
Comment: Not observed in large population cohorts (Lek et al., 2016); In silico analysis supports that this missense variant does not alter protein structure/function; Has not been previously published as pathogenic or benign to our knowledge

NM_007194.4(CHEK2):c.541C>G (p.Arg181Gly)

Gene: CHEK2 (checkpoint kinase 2; minus strand). Cytogenetic location: 22q12.1.
Variant type: single nucleotide variant.
Coding change: c.541C>G on transcript NM_007194.4 (MANE Select); coding-DNA position 541, C replaced by G.
Protein change: p.Arg181Gly; replaces arginine 181 with glycine.
Molecular consequence: missense variant. On other transcripts: 5 prime UTR variant (2), intron variant (1).
Genome position (GRCh38, 1-based): chr22:28,725,028, G>C on the plus strand (C>G on the coding strand, the complement: CHEK2 is on the minus strand). VCF-style: chr22-28725028-G-C. GRCh37 (hg19) VCF-style: chr22-29121016-G-C.
Other names: p.R181G:CGT>GGT; c.670C>G, p.Arg224Gly (NM_001005735.3, NM_001438294.1); c.-237C>G (NM_001257387.3); c.-123C>G (NM_001437942.1); c.634C>G, p.Arg212Gly (NM_001438293.1, NM_001438295.1); c.541C>G, p.Arg181Gly (NM_145862.3); c.445-105C>G (NM_001349956.3); short protein forms R181G, R224G, R212G.
Identifiers: ClinVar variation 182455 (VCV000182455.4), dbSNP rs137853010, ClinGen allele CA299116.
Genomic context (GRCh38, chr22:28,725,028, plus strand): 5'-TAATATTACCTTTATTTCTGCTTAGTGACAGTGCAATTTCAGAATTGTTATTCAAAGGAC[G>C]GCGTTTTCCTTTCCCTACAAGCTCTGTATTTACAAAGGTTCCATTGCCACTGTGATCTTC-3'
Protein context (NP_009125.1, residues 171-191): NTELVGKGKR[Arg181Gly]PLNNNSEIAL